The following is an entry in ClinVar:

ClinVar aggregate classification (germline): Likely benign. Review status: criteria provided, multiple submitters, no conflicts (2 of 4 stars). 3 submissions from 3 submitters: Likely benign (3). Last evaluated 2026-01-06.

Conditions:
Hereditary nonpolyposis colorectal neoplasms. Identifiers: MedGen C0009405, MeSH D003123.
Breast and/or ovarian cancer. Identifiers: MedGen CN221562.

Allele frequency attached by ClinVar (database versions not stated): gnomAD 0.00001.
gnomAD v4.1: 27 of 1,613,670 alleles (0.0017%); highest among the groups gnomAD compares: Non-Finnish European, 0.0023%; no homozygotes.

Submissions (3):

Labcorp Genetics (formerly Invitae), Labcorp
Classification: Likely benign for Hereditary nonpolyposis colorectal neoplasms. Last evaluated: 2026-01-06. Review status: criteria provided, single submitter. Criteria: Invitae Variant Classification Sherloc (09022015). Collection method: clinical testing. Allele origin: germline.

Center for Genomic Medicine, Rigshospitalet, Copenhagen University Hospital
Classification: Likely benign. Last evaluated: 2025-03-04. Review status: criteria provided, single submitter. Criteria: ACMG Guidelines, 2015. Collection method: clinical testing. Allele origin: germline.
Comment: Classification criteria: BP4, BP7

CHEO Genetics Diagnostic Laboratory, Children's Hospital of Eastern Ontario
Classification: Likely benign for Breast and/or ovarian cancer. Last evaluated: 2021-10-05. Review status: criteria provided, single submitter. Criteria: ACMG Guidelines, 2015. Collection method: clinical testing. Allele origin: germline.

NM_000179.3(MSH6):c.627+17A>T

Gene: MSH6 (mutS homolog 6; plus strand). Cytogenetic location: 2p16.3.
Variant type: single nucleotide variant.
Coding change: c.627+17A>T on transcript NM_000179.3 (MANE Select); 17 bases into the intron after coding-DNA position 627, A replaced by T.
Molecular consequence: intron variant.
Genome position (GRCh38, 1-based): chr2:47,796,080, A>T. VCF-style: chr2-47796080-A-T. GRCh37 (hg19) VCF-style: chr2-48023219-A-T.
Other names: c.627+17A>T (NM_000179.2); c.-279-2531A>T (NM_001281493.2); c.238-2531A>T (NM_001281492.2); c.-276+17A>T (NM_001281494.2).
Identifiers: ClinVar variation 1539119 (VCV001539119.10), dbSNP rs768348101, ClinGen allele CA532705758.
Genomic context (GRCh38, chr2:47,796,080, plus strand): 5'-TTTGTGATGAGCCCTCAGAGCCAGAAGAGGAAGAAGAGATGGAGGTGGGACACGGCAAGC[A>T]TTCAGTTGTTATTTATGTTAGGGTGATGGGGGAAGAAAGGGGGAGGGTGTATTAACAAGA-3'